The following is an entry in ClinVar:

ClinVar aggregate classification (germline): Uncertain significance. Review status: criteria provided, multiple submitters, no conflicts (2 of 4 stars). 3 submissions from 3 submitters: Uncertain significance (2). 1 of the submissions does not count toward it. Last evaluated 2025-02-12.

Conditions:
Glutaric aciduria, type 1. Also called: GA I; Glutaric acidemia type I; Glutaricacidemia Type 1; Glutaricaciduria, type I; Glutaric Acidemia Type 1; Glutaryl-CoA dehydrogenase deficiency. Identifiers: Orphanet 25, MedGen C0268595, MONDO:0009281, OMIM 231670.

Submissions (3):

Women's Health and Genetics/Laboratory Corporation of America, LabCorp
Classification: Uncertain significance. Last evaluated: 2025-02-12. Review status: criteria provided, single submitter. Criteria: LabCorp Variant Classification Summary - May 2015. Collection method: clinical testing. Allele origin: germline.
Comment: Variant summary: GCDH c.227A>C (p.Gln76Pro) results in a non-conservative amino acid change in the encoded protein sequence. Five of five in-silico tools predict a damaging effect of the variant on protein function. The variant was absent in 251416 control chromosomes (gnomAD). c.227A>C has been reported in the literature in one homozygous individual affected with Glutaric Acidemia Type 1 (Abdul Wahab_2016). These data indicate that the variant may be associated with disease. To our knowledge, no experimental evidence demonstrating an impact on protein function has been reported. The following publications have been ascertained in the context of this evaluation (PMID: 27672653, 37020324, 38137040). ClinVar contains an entry for this variant (Variation ID: 553050). Based on the evidence outlined above, the variant was classified as VUS-possibly pathogenic.

GeneDx
Classification: Uncertain significance. Last evaluated: 2024-11-22. Review status: criteria provided, single submitter. Criteria: GeneDx Variant Classification Process June 2021. Collection method: clinical testing. Allele origin: germline. Affected: yes.
Comment: In silico analysis supports that this missense variant has a deleterious effect on protein structure/function; Not observed at significant frequency in large population cohorts (gnomAD); This variant is associated with the following publications: (PMID: 27672653, 37020324)

Counsyl
Classification: Uncertain significance for Glutaric aciduria, type 1. Last evaluated: 2017-07-25. Review status: no assertion criteria provided. Collection method: clinical testing. Allele origin: unknown. Not counted in ClinVar's aggregate classification.

Literature cited by the submitters: PubMed 27672653 (cited by Women's Health and Genetics/Laboratory Corporation of America, LabCorp and Counsyl); PubMed 37020324 (cited by Women's Health and Genetics/Laboratory Corporation of America, LabCorp); PubMed 38137040 (cited by Women's Health and Genetics/Laboratory Corporation of America, LabCorp).

NM_000159.4(GCDH):c.227A>C (p.Gln76Pro)

Genes: GCDH (glutaryl-CoA dehydrogenase; plus strand), LOC117125594 (CRISPRi-FlowFISH-validated KLF1 regulatory element; plus strand). Cytogenetic location: 19p13.13.
Variant type: single nucleotide variant.
Coding change: c.227A>C on transcript NM_000159.4 (MANE Select); coding-DNA position 227, A replaced by C.
Protein change: p.Gln76Pro; replaces glutamine 76 with proline.
Molecular consequence: missense variant. On other transcripts: non-coding transcript variant (2).
Genome position (GRCh38, 1-based): chr19:12,891,930, A>C. VCF-style: chr19-12891930-A-C. GRCh37 (hg19) VCF-style: chr19-13002744-A-C.
Other names: c.227A>C, p.Gln76Pro (NM_013976.5); short protein forms Q76P.
Identifiers: ClinVar variation 553050 (VCV000553050.4), dbSNP rs748185335, ClinGen allele CA404315319.
Genomic context (GRCh38, chr19:12,891,930, plus strand): 5'-TGGAGGAGCAGCTGACCACAGATGAGATCCTCATCAGGGACACCTTCCGCACCTACTGCC[A>C]GGAGAGACTCATGCCTCGCATCCTGTTGGCCAATCGCAACGAAGGTGGGCGGGCTGGTGG-3'
Protein context (NP_000150.1, residues 66-86): LIRDTFRTYC[Gln76Pro]ERLMPRILLA